The following is an entry in ClinVar:

NM_024747.6(HPS6):c.895C>T (p.Arg299Trp)

Gene: HPS6 (HPS6 biogenesis of lysosomal organelles complex 2 subunit 3; plus strand). Cytogenetic location: 10q24.32.
Variant type: single nucleotide variant.
Coding change: c.895C>T on transcript NM_024747.6 (MANE Select); coding-DNA position 895, C replaced by T.
Protein change: p.Arg299Trp; replaces arginine 299 with tryptophan.
Molecular consequence: missense variant.
Genome position (GRCh38, 1-based): chr10:102,066,369, C>T. VCF-style: chr10-102066369-C-T. GRCh37 (hg19) VCF-style: chr10-103826126-C-T.
Other names: short protein forms R299W.
Identifiers: ClinVar variation 2136927 (VCV002136927.2), dbSNP rs201628418, ClinGen allele CA5659874.
Genomic context (GRCh38, chr10:102,066,369, plus strand): 5'-GGCCTGCTGTTGCTTGACTTCGGGGGCACTGTGAGCCTATTGCAGTCCCACGGTGGTACG[C>T]GGGCTGTGGGCACCCTGCAGGAGGCACCTGTAGGCCCGTGGGGGTCTGCAGCCCTAGGCA-3'
Protein context (NP_079023.2, residues 289-309): VSLLQSHGGT[Arg299Trp]AVGTLQEAPV

ClinVar aggregate classification (germline): Uncertain significance. Review status: criteria provided, multiple submitters, no conflicts (2 of 4 stars). 2 submissions from 2 submitters: Uncertain significance (2). Last evaluated 2024-09-18.

Allele frequency attached by ClinVar (database versions not stated): ExAC 0.00001; gnomAD 0.00001; gnomAD exomes 0.00001; TOPMed 0.00001.

Submissions (2):

Women's Health and Genetics/Laboratory Corporation of America, LabCorp
Classification: Uncertain significance. Last evaluated: 2024-09-18. Review status: criteria provided, single submitter. Criteria: LabCorp Variant Classification Summary - May 2015. Collection method: clinical testing. Allele origin: germline.
Comment: Variant summary: HPS6 c.895C>T (p.Arg299Trp) results in a non-conservative amino acid change located in the BLOC-2 complex member HPS6, N-terminal domain (IPR046823) of the encoded protein sequence. Three of five in-silico tools predict a benign effect of the variant on protein function. The variant was absent in 250768 control chromosomes. The available data on variant occurrences in the general population are insufficient to allow any conclusion about variant significance. c.895C>T has been reported in the literature in the compound heterozygous state in at least one individual affected with Hermansky-Pudlak Syndrome (Wei_2016). These data do not allow any conclusion about variant significance. To our knowledge, no experimental evidence demonstrating an impact on protein function has been reported. The following publication have been ascertained in the context of this evaluation (PMID: 27593200). ClinVar contains an entry for this variant (Variation ID: 2136927). Based on the evidence outlined above, the variant was classified as uncertain significance.

Labcorp Genetics (formerly Invitae), Labcorp
Classification: Uncertain significance. Last evaluated: 2022-02-22. Review status: criteria provided, single submitter. Criteria: Invitae Variant Classification Sherloc (09022015). Collection method: clinical testing. Allele origin: germline.
Comment: This sequence change replaces arginine, which is basic and polar, with tryptophan, which is neutral and slightly polar, at codon 299 of the HPS6 protein (p.Arg299Trp). This variant is present in population databases (rs201628418, gnomAD 0.06%). This missense change has been observed in individual(s) with Hermansky-Pudlak syndrome (PMID: 27593200). In at least one individual the data is consistent with being in trans (on the opposite chromosome) from a pathogenic variant. Algorithms developed to predict the effect of missense changes on protein structure and function are either unavailable or do not agree on the potential impact of this missense change (SIFT: "Deleterious"; PolyPhen-2: "Probably Damaging"; Align-GVGD: "Class C0"). In summary, the available evidence is currently insufficient to determine the role of this variant in disease. Therefore, it has been classified as a Variant of Uncertain Significance.

Literature cited by the submitters: PubMed 27593200 (cited by Women's Health and Genetics/Laboratory Corporation of America, LabCorp and Labcorp Genetics (formerly Invitae), Labcorp).